The following is an entry in ClinVar:

ClinVar aggregate classification (germline): Benign/Likely benign. Review status: criteria provided, multiple submitters, no conflicts (2 of 4 stars). 4 submissions from 4 submitters: Benign (2); Likely benign (2). Last evaluated 2025-09-11.

Conditions:
UBA1-related disorder. Also called: UBA1-related condition.
Inborn genetic diseases. Identifiers: MedGen C0950123, MeSH D030342.
Infantile-onset X-linked spinal muscular atrophy. Also called: AMC, DISTAL, X-LINKED; SPINAL MUSCULAR ATROPHY, X-LINKED LETHAL INFANTILE; ARTHROGRYPOSIS, X-LINKED, TYPE I; Spinal Muscular Atrophy, X-Linked Infantile; Spinal muscular atrophy, X-linked 2. Identifiers: Orphanet 1145, MedGen C1844934, MONDO:0010532, OMIM 301830.

Allele frequency attached by ClinVar (database versions not stated): TOPMed 0.00014; gnomAD 0.00015 and 0.00016; ESP Exome Variant Server 0.00019; gnomAD exomes 0.00022 and 0.00031; ExAC 0.00030.
gnomAD v4.1: 352 of 1,208,857 alleles (0.029%); highest among the groups gnomAD compares: Non-Finnish European, 0.038%; no homozygotes.

Submissions (4):

Labcorp Genetics (formerly Invitae), Labcorp
Classification: Benign for Infantile-onset X-linked spinal muscular atrophy. Last evaluated: 2025-09-11. Review status: criteria provided, single submitter. Criteria: Invitae Variant Classification Sherloc (09022015). Collection method: clinical testing. Allele origin: germline.

PreventionGenetics, part of Exact Sciences
Classification: Likely benign for UBA1-related condition. Last evaluated: 2024-10-09. Review status: criteria provided, single submitter. Criteria: ACMG Guidelines, 2015. Collection method: clinical testing. Allele origin: germline.
Comment: This variant is classified as likely benign based on ACMG/AMP sequence variant interpretation guidelines (Richards et al. 2015 PMID: 25741868, with internal and published modifications).

Mayo Clinic Laboratories, Mayo Clinic
Classification: Benign. Last evaluated: 2024-09-30. Review status: criteria provided, single submitter. Criteria: ACMG Guidelines, 2015. Collection method: clinical testing. Allele origin: germline. Observed: 1 variant allele.
Comment: BS1, BS2

Ambry Genetics
Classification: Likely benign for Inborn genetic diseases. Last evaluated: 2020-06-12. Review status: criteria provided, single submitter. Criteria: Ambry Variant Classification Scheme 2023. Collection method: clinical testing. Allele origin: germline.

NM_003334.4(UBA1):c.965A>G (p.Lys322Arg)

Gene: UBA1 (ubiquitin like modifier activating enzyme 1; plus strand). Cytogenetic location: Xp11.3.
Variant type: single nucleotide variant.
Coding change: c.965A>G on transcript NM_003334.4 (MANE Select); coding-DNA position 965, A replaced by G.
Protein change: p.Lys322Arg; replaces lysine 322 with arginine.
Molecular consequence: missense variant.
Genome position (GRCh38, 1-based): chrX:47,202,413, A>G. VCF-style: chrX-47202413-A-G. GRCh37 (hg19) VCF-style: chrX-47061812-A-G.
Other names: p.Lys322Arg; c.965A>G, p.Lys322Arg (NM_153280.3); short protein forms K322R.
Identifiers: ClinVar variation 465037 (VCV000465037.15), dbSNP rs146180431, ClinGen allele CA10395808.